The following is an entry in ClinVar:

ClinVar aggregate classification (germline): Uncertain significance. Review status: criteria provided, multiple submitters, no conflicts (2 of 4 stars). 2 submissions from 2 submitters: Uncertain significance (2). Last evaluated 2024-11-20.

Conditions:
Hereditary cancer-predisposing syndrome. Also called: Neoplastic Syndromes, Hereditary; Tumor predisposition; Hereditary neoplastic syndrome; Hereditary Cancer Syndrome. Identifiers: Orphanet 140162, MedGen C0027672, MeSH D009386, MONDO:0015356.
POLD1-related polyposis and colorectal cancer syndrome (CRCS10). Also called: COLORECTAL CANCER, SUSCEPTIBILITY TO, ON CHROMOSOME 19q; Colorectal cancer 10; Colorectal cancer, susceptibility to, 10. Identifiers: Orphanet 220460, MedGen C2675481, MONDO:0012953, OMIM 612591.

Submissions (2):

Ambry Genetics
Classification: Uncertain significance for Hereditary cancer-predisposing syndrome. Last evaluated: 2024-11-20. Review status: criteria provided, single submitter. Criteria: Ambry Variant Classification Scheme 2023. Collection method: clinical testing. Allele origin: germline.

Labcorp Genetics (formerly Invitae), Labcorp
Classification: Uncertain significance for POLD1-related polyposis and colorectal cancer syndrome. Last evaluated: 2023-04-12. Review status: criteria provided, single submitter. Criteria: Invitae Variant Classification Sherloc (09022015). Collection method: clinical testing. Allele origin: germline.
Comment: In summary, the available evidence is currently insufficient to determine the role of this variant in disease. Therefore, it has been classified as a Variant of Uncertain Significance. Advanced modeling of protein sequence and biophysical properties (such as structural, functional, and spatial information, amino acid conservation, physicochemical variation, residue mobility, and thermodynamic stability) performed at Invitae indicates that this missense variant is not expected to disrupt POLD1 protein function. ClinVar contains an entry for this variant (Variation ID: 1716668). This variant has not been reported in the literature in individuals affected with POLD1-related conditions. This variant is not present in population databases (gnomAD no frequency). This sequence change replaces proline, which is neutral and non-polar, with histidine, which is basic and polar, at codon 93 of the POLD1 protein (p.Pro93His).

NM_002691.4(POLD1):c.278C>A (p.Pro93His)

Gene: POLD1 (DNA polymerase delta 1, catalytic subunit; plus strand). Cytogenetic location: 19q13.33.
Variant type: single nucleotide variant.
Coding change: c.278C>A on transcript NM_002691.4 (MANE Select); coding-DNA position 278, C replaced by A.
Protein change: p.Pro93His; replaces proline 93 with histidine.
Molecular consequence: missense variant. On other transcripts: non-coding transcript variant (1).
Genome position (GRCh38, 1-based): chr19:50,399,446, C>A. VCF-style: chr19-50399446-C-A. GRCh37 (hg19) VCF-style: chr19-50902703-C-A.
Other names: c.278C>A (NM_002691.2); c.278C>A, p.Pro93His (NM_001256849.1, NM_001308632.1); short protein forms P93H.
Identifiers: ClinVar variation 1716668 (VCV001716668.6), dbSNP rs2122203287, ClinGen allele CA406970560.
Genomic context (GRCh38, chr19:50,399,446, plus strand): 5'-CAGCCATAGATCCTCGCTGGCTTCGGCCCACACCACCAGCGCTGGACCCCCAGACAGAGC[C>A]CCTCATCTTCCAACAGTTGGAGATTGACCATTATGTGGGTGAGTTTAGGGGTTATGGGTG-3'
Protein context (NP_002682.2, residues 83-103): TPPALDPQTE[Pro93His]LIFQQLEIDH